The following is an entry in ClinVar:

NM_004588.5(SCN2B):c.82C>T (p.Arg28Trp)

Gene: SCN2B (sodium voltage-gated channel beta subunit 2; minus strand). Cytogenetic location: 11q23.3.
Variant type: single nucleotide variant.
Coding change: c.82C>T on transcript NM_004588.5 (MANE Select); coding-DNA position 82, C replaced by T.
Protein change: p.Arg28Trp; replaces arginine 28 with tryptophan.
Molecular consequence: missense variant.
Genome position (GRCh38, 1-based): chr11:118,168,740, G>A on the plus strand (C>T on the coding strand, the complement: SCN2B is on the minus strand). VCF-style: chr11-118168740-G-A. GRCh37 (hg19) VCF-style: chr11-118039455-G-A.
Other names: short protein forms R28W.
Identifiers: ClinVar variation 60769 (VCV000060769.14), dbSNP rs17121819, ClinGen allele CA214436.

ClinVar aggregate classification (germline): Conflicting classifications of pathogenicity. Review status: criteria provided, conflicting classifications (1 of 4 stars). 5 submissions from 5 submitters: Uncertain significance (3); Likely benign (1). 1 of the submissions does not count toward it. Last evaluated 2026-01-19.

Conditions:
Atrial fibrillation, familial, 14 (ATFB14). Identifiers: MedGen C3809312, MONDO:0014156, OMIM 615378.
Cardiovascular phenotype. Identifiers: MedGen CN230736.

Allele frequency attached by ClinVar (database versions not stated): ExAC 0.00007; gnomAD 0.00007; ESP Exome Variant Server 0.00008; TOPMed 0.00008; gnomAD exomes 0.00009 and 0.00004; 1000 Genomes Project 30x 0.00016; 1000 Genomes Project 0.00020.
gnomAD v4.1: 74 of 1,614,176 alleles (0.0046%); highest among the groups gnomAD compares: Admixed American, 0.015%; 1 homozygote.

Submissions (5):

Labcorp Genetics (formerly Invitae), Labcorp
Classification: Uncertain significance for Atrial fibrillation, familial, 14. Last evaluated: 2026-01-19. Review status: criteria provided, single submitter. Criteria: Invitae Variant Classification Sherloc (09022015). Collection method: clinical testing. Allele origin: germline.
Comment: This sequence change replaces arginine, which is basic and polar, with tryptophan, which is neutral and slightly polar, at codon 28 of the SCN2B protein (p.Arg28Trp). This variant is present in population databases (rs17121819, gnomAD 0.02%). This missense change has been observed in individual(s) with atrial fibrillation (PMID: 19808477). ClinVar contains an entry for this variant (Variation ID: 60769). An algorithm developed to predict the effect of missense changes on protein structure and function outputs the following: PolyPhen-2: "Benign". The tryptophan amino acid residue is found in multiple mammalian species, which suggests that this missense change does not adversely affect protein function. Experimental studies have shown that this missense change affects SCN2B function (PMID: 19808477). In summary, the available evidence is currently insufficient to determine the role of this variant in disease. Therefore, it has been classified as a Variant of Uncertain Significance.

GeneDx
Classification: Uncertain significance. Last evaluated: 2025-07-24. Review status: criteria provided, single submitter. Criteria: GeneDx Variant Classification Process June 2021. Collection method: clinical testing. Allele origin: germline. Affected: yes.
Comment: Identified in a patient with paroxsymal atrial fibrillation, right precordial saddleback type ST-segment elevation on ECG, and a history of hypertension in published literature (PMID: 19808477); Identified in a patient with Long QT syndrome (LQTS) who also harbored a variant in KCNH2 (PMID: 39596046); Published functional studies showed reduced peak sodium current amplitude and a positive shift in the voltage dependence of activation, but no effect on the voltage dependence of inactivation or the persistence of the sodium current compared to wild-type SCN2B (PMID: 19808477); In silico analysis suggests that this missense variant does not alter protein structure/function; Variants in candidate genes are classified as variants of uncertain significance in accordance with ACMG guidelines (PMID: 25741868); This variant is associated with the following publications: (PMID: 26986070, 34426522, 19808477, 35385795, 39596046)

Ambry Genetics
Classification: Likely benign for Cardiovascular phenotype. Last evaluated: 2023-11-21. Review status: criteria provided, single submitter. Criteria: Ambry Variant Classification Scheme 2023. Collection method: clinical testing. Allele origin: germline.

Fulgent Genetics
Classification: Uncertain significance for Atrial fibrillation, familial, 14. Last evaluated: 2021-11-17. Review status: criteria provided, single submitter. Criteria: ACMG Guidelines, 2015. Collection method: clinical testing. Allele origin: unknown.

OMIM
Classification: Pathogenic for ATRIAL FIBRILLATION, FAMILIAL, 14. Last evaluated: 2009-06-01. Review status: no assertion criteria provided. Collection method: literature only. Allele origin: germline. Not counted in ClinVar's aggregate classification.

Literature cited by the submitters: PubMed 19808477 (cited by Labcorp Genetics (formerly Invitae), Labcorp and OMIM).